The following is an entry in ClinVar:

NM_031407.7(HUWE1):c.6577A>G (p.Thr2193Ala)

Gene: HUWE1 (HECT, UBA and WWE domain containing E3 ubiquitin protein ligase 1; minus strand). Cytogenetic location: Xp11.22.
Variant type: single nucleotide variant.
Coding change: c.6577A>G on transcript NM_031407.7 (MANE Select); coding-DNA position 6577, A replaced by G.
Protein change: p.Thr2193Ala; replaces threonine 2193 with alanine.
Molecular consequence: missense variant.
Genome position (GRCh38, 1-based): chrX:53,568,822, T>C on the plus strand (A>G on the coding strand, the complement: HUWE1 is on the minus strand). VCF-style: chrX-53568822-T-C. GRCh37 (hg19) VCF-style: chrX-53595782-T-C.
Other names: short protein forms T2193A.
Identifiers: ClinVar variation 3369473 (VCV003369473.1).

ClinVar aggregate classification (germline): Uncertain significance (1 of 4 stars; one submission).

Submission:

GeneDx
Classification: Uncertain significance. Last evaluated: 2024-02-18. Review status: criteria provided, single submitter. Criteria: GeneDx Variant Classification Process June 2021. Collection method: clinical testing. Allele origin: germline. Affected: yes.
Comment: Has not been previously published as pathogenic or benign to our knowledge; Not observed at significant frequency in large population cohorts (gnomAD); In silico analysis supports that this missense variant does not alter protein structure/function